The following is an entry in ClinVar:

NM_000548.5(TSC2):c.688T>C (p.Cys230Arg)

Gene: TSC2 (TSC complex subunit 2; plus strand). Cytogenetic location: 16p13.3.
Variant type: single nucleotide variant.
Coding change: c.688T>C on transcript NM_000548.5 (MANE Select); coding-DNA position 688, T replaced by C.
Protein change: p.Cys230Arg; replaces cysteine 230 with arginine.
Molecular consequence: missense variant.
Genome position (GRCh38, 1-based): chr16:2,056,683, T>C. VCF-style: chr16-2056683-T-C. GRCh37 (hg19) VCF-style: chr16-2106684-T-C.
Other names: c.688T>C, p.Cys230Arg (NM_001077183.3, NM_001114382.3, NM_001363528.2 and 3 more transcripts); c.577T>C, p.Cys193Arg (NM_001318827.2); c.541T>C, p.Cys181Arg (NM_001318829.2); c.88T>C, p.Cys30Arg (NM_001318831.2); c.721T>C, p.Cys241Arg (NM_001318832.2); short protein forms C181R, C193R, C30R, C230R, C241R.
Identifiers: ClinVar variation 852299 (VCV000852299.12), dbSNP rs1043187800, ClinGen allele CA394312568.

ClinVar aggregate classification (germline): Uncertain significance. Review status: criteria provided, multiple submitters, no conflicts (2 of 4 stars). 3 submissions from 3 submitters: Uncertain significance (3). Last evaluated 2026-07-20.

Conditions:
Tuberous sclerosis 2 (TSC2). Identifiers: Orphanet 805, MedGen C1860707, MONDO:0013199, OMIM 613254.
Hereditary cancer-predisposing syndrome. Also called: Neoplastic Syndromes, Hereditary; Hereditary neoplastic syndrome; Tumor predisposition; Hereditary Cancer Syndrome. Identifiers: Orphanet 140162, MedGen C0027672, MeSH D009386, MONDO:0015356.

Allele frequency attached by ClinVar (database versions not stated): gnomAD exomes 0.00001.

Submissions (3):

GeneDx
Classification: Uncertain significance. Last evaluated: 2026-07-20. Review status: criteria provided, single submitter. Criteria: GeneDx Variant Classification Process June 2021. Collection method: clinical testing. Allele origin: germline.
Comment: Not observed at significant frequency in large population cohorts (gnomAD); In silico analysis supports that this missense variant has a deleterious effect on protein structure/function; Has not been previously published as pathogenic or benign to our knowledge; This variant is associated with the following publications: (PMID: 18466115)

Ambry Genetics
Classification: Uncertain significance for Hereditary cancer-predisposing syndrome. Last evaluated: 2025-02-21. Review status: criteria provided, single submitter. Criteria: Ambry Variant Classification Scheme 2023. Collection method: clinical testing. Allele origin: germline.
Comment: The p.C230R variant (also known as c.688T>C), located in coding exon 7 of the TSC2 gene, results from a T to C substitution at nucleotide position 688. The cysteine at codon 230 is replaced by arginine, an amino acid with highly dissimilar properties. This amino acid position is highly conserved in available vertebrate species. In addition, the in silico prediction for this alteration is inconclusive. Based on the available evidence, the clinical significance of this variant remains unclear.

Labcorp Genetics (formerly Invitae), Labcorp
Classification: Uncertain significance for Tuberous sclerosis 2. Last evaluated: 2022-02-07. Review status: criteria provided, single submitter. Criteria: Invitae Variant Classification Sherloc (09022015). Collection method: clinical testing. Allele origin: germline.
Comment: This sequence change replaces cysteine, which is neutral and slightly polar, with arginine, which is basic and polar, at codon 230 of the TSC2 protein (p.Cys230Arg). In summary, the available evidence is currently insufficient to determine the role of this variant in disease. Therefore, it has been classified as a Variant of Uncertain Significance. Advanced modeling of protein sequence and biophysical properties (such as structural, functional, and spatial information, amino acid conservation, physicochemical variation, residue mobility, and thermodynamic stability) performed at Invitae indicates that this missense variant is not expected to disrupt TSC2 protein function. ClinVar contains an entry for this variant (Variation ID: 852299). This variant has not been reported in the literature in individuals affected with TSC2-related conditions. This variant is not present in population databases (gnomAD no frequency).